The following is an entry in ClinVar:

NM_004937.3(CTNS):c.*1578C>G

Gene: CTNS (cystinosin, lysosomal cystine transporter; plus strand). Cytogenetic location: 17p13.2.
Variant type: single nucleotide variant.
Coding change: c.*1578C>G on transcript NM_004937.3 (MANE Select); 1578 bases downstream of the stop codon, C replaced by G.
Molecular consequence: 3 prime UTR variant.
Genome position (GRCh38, 1-based): chr17:3,661,947, C>G. VCF-style: chr17-3661947-C-G. GRCh37 (hg19) VCF-style: chr17-3565241-C-G.
Other names: c.*1213C>G (NM_001031681.3, NM_001374492.1); c.*1578C>G (NM_001374493.1, NM_001374494.1, NM_001374495.1 and 1 more transcripts).
Identifiers: ClinVar variation 322895 (VCV000322895.5), dbSNP rs142813435, ClinGen allele CA10649978.

ClinVar aggregate classification (germline): Benign. Review status: criteria provided, single submitter (1 of 4 stars). 2 submissions from 1 submitter: Benign (2). Last evaluated 2018-01-13.

Conditions:
Ocular cystinosis. Also called: Non-Nephropathic (Ocular) Cystinosis; Non-Nephropathic Cystinosis. Identifiers: Orphanet 213, Orphanet 411641, MedGen C2931013, MONDO:0009064, OMIM 219750.
Nephropathic cystinosis (CTNS). Also called: CYSTINOSIN, DEFECT OF; LYSOSOMAL CYSTINE TRANSPORT PROTEIN, DEFECT OF; Abderhalden Lignac Kaufmann disease; Abderhalden-Kaufmann-Lignac syndrome. Identifiers: Orphanet 213, Orphanet 411629, MedGen C2931187, MONDO:0100151, OMIM 219800.

Allele frequency attached by ClinVar (database versions not stated): gnomAD 0.02388 and 0.02513; TOPMed 0.02617; 1000 Genomes Project 0.02716; 1000 Genomes Project 30x 0.02873.
gnomAD v4.1: 3,608 of 152,318 alleles (2.4%); highest among the groups gnomAD compares: African/African-American, 7.7%; 134 homozygotes.

Submissions (2):

Illumina Laboratory Services, Illumina
Classification: Benign for Nephropathic cystinosis. Last evaluated: 2018-01-13. Review status: criteria provided, single submitter. Criteria: ICSL Variant Classification Criteria 13 December 2019. Collection method: clinical testing. Allele origin: germline.
Comment: This variant was observed in the ICSL laboratory as part of a predisposition screen in an ostensibly healthy population. It had not been previously curated by ICSL or reported in the Human Gene Mutation Database (HGMD: prior to June 1st, 2018), and was therefore a candidate for classification through an automated scoring system. Utilizing variant allele frequency, disease prevalence and penetrance estimates, and inheritance mode, an automated score was calculated to assess if this variant is too frequent to cause the disease. Based on the score and internal cut-off values, a variant classified as benign is not then subjected to further curation. The score for this variant resulted in a classification of benign for this disease.

Illumina Laboratory Services, Illumina
Classification: Benign for Ocular cystinosis. Last evaluated: 2018-01-13. Review status: criteria provided, single submitter. Criteria: ICSL Variant Classification Criteria 13 December 2019. Collection method: clinical testing. Allele origin: germline.
Comment: the same text as in the submission from Illumina Laboratory Services, Illumina above.